The following is an entry in ClinVar:

NM_170707.4(LMNA):c.373G>A (p.Gly125Ser)

Genes: LMNA (lamin A/C; plus strand), LOC126805877 (MED14-independent group 3 enhancer GRCh37_chr1:156099693-156100892; plus strand). Cytogenetic location: 1q22.
Variant type: single nucleotide variant.
Coding change: c.373G>A on transcript NM_170707.4 (MANE Select); coding-DNA position 373, G replaced by A.
Protein change: p.Gly125Ser; replaces glycine 125 with serine.
Molecular consequence: missense variant.
Genome position (GRCh38, 1-based): chr1:156,130,633, G>A. VCF-style: chr1-156130633-G-A. GRCh37 (hg19) VCF-style: chr1-156100424-G-A.
Other names: c.37G>A, p.Gly13Ser (NM_001257374.3); c.130G>A, p.Gly44Ser (NM_001282624.2); c.373G>A, p.Gly125Ser (NM_001282625.2, NM_001282626.2, NM_005572.4 and 1 more transcripts); short protein forms G125S, G44S, G13S.
Identifiers: ClinVar variation 66894 (VCV000066894.4), dbSNP rs267607605, ClinGen allele CA018013.

ClinVar aggregate classification (germline): Uncertain significance. Review status: criteria provided, single submitter (1 of 4 stars). 2 submissions from 2 submitters: Uncertain significance (1). 1 of the submissions does not count toward it. Last evaluated 2019-03-16.

Conditions:
Cardiomyopathy (CMYO). Also called: Cardiomyopathies. Identifiers: Orphanet 167848, MedGen C0878544, MONDO:0004994, HP:0001638. Inheritance: Various modes of inheritance.

Submissions (2):

Color Diagnostics, LLC DBA Color Health
Classification: Uncertain significance for Cardiomyopathy. Last evaluated: 2019-03-16. Review status: criteria provided, single submitter. Criteria: ACMG Guidelines, 2015. Collection method: clinical testing. Allele origin: germline.
Comment: Variant of Uncertain Significance due to insufficient evidence: This missense variant replaces glycine with serine at codon 125 of the LMNA protein. Computational prediction tools and conservation analyses are inconclusive regarding the impact of this variant on the protein function. Computational splicing tools suggest that this variant may not impact RNA splicing. To our knowledge, functional assays have not been performed for this variant nor has this variant been reported in individuals affected with cardiovascular disorders in the literature. This variant has not been identified in the general population by the Genome Aggregation Database (gnomAD). Available evidence is insufficient to determine the role of this variant in disease conclusively.

Epithelial Biology;  Institute of Medical Biology, Singapore
No classification provided. Review status: no classification provided. Collection method: not provided. Allele origin: not provided. Not counted in ClinVar's aggregate classification.